The following is an entry in ClinVar:

ClinVar aggregate classification (germline): Likely benign. Review status: criteria provided, multiple submitters, no conflicts (2 of 4 stars). 2 submissions from 2 submitters: Likely benign (2). Last evaluated 2025-07-21.

Conditions:
Cardiovascular phenotype. Identifiers: MedGen CN230736.

gnomAD v4.1: 17 of 1,612,588 alleles (0.0011%); highest among the groups gnomAD compares: South Asian, 0.0044%; no homozygotes.

Submissions (2):

Ambry Genetics
Classification: Likely benign for Cardiovascular phenotype. Last evaluated: 2025-07-21. Review status: criteria provided, single submitter. Criteria: Ambry Variant Classification Scheme 2023. Collection method: clinical testing. Allele origin: germline.

CeGaT Center for Human Genetics Tuebingen
Classification: Likely benign. Last evaluated: 2025-01-01. Review status: criteria provided, single submitter. Criteria: CeGaT Center For Human Genetics Tuebingen Variant Classification Criteria Version 2. Collection method: clinical testing. Allele origin: germline. Affected: yes. Observed: 1 variant allele.
Comment: TNXB: BP4, BP7

NM_001365276.2(TNXB):c.9561C>A (p.Thr3187=)

Gene: TNXB (tenascin XB; minus strand). Cytogenetic location: 6p21.33.
Variant type: single nucleotide variant.
Coding change: c.9561C>A on transcript NM_001365276.2 (MANE Select); coding-DNA position 9561, C replaced by A.
Protein change: p.Thr3187=; no amino-acid change (threonine 3187 retained).
Molecular consequence: synonymous variant.
Genome position (GRCh38, 1-based): chr6:32,049,466, G>T on the plus strand (C>A on the coding strand, the complement: TNXB is on the minus strand). VCF-style: chr6-32049466-G-T. GRCh37 (hg19) VCF-style: chr6-32017243-G-T.
Other names: c.9555C>A (NM_019105.6); c.10302C>A, p.Thr3434= (NM_001428335.1); c.9555C>A, p.Thr3185= (NM_019105.8).
Identifiers: ClinVar variation 3771024 (VCV003771024.14).